The following is an entry in ClinVar:

ClinVar aggregate classification (germline): Uncertain significance (1 of 4 stars; one submission).

Allele frequency attached by ClinVar (database versions not stated): gnomAD exomes below 0.00001; TOPMed 0.00003.
gnomAD v4.1: 4 of 1,614,062 alleles (0.00025%); highest among the groups gnomAD compares: African/African-American, 0.0053%; no homozygotes.

Submission:

Ambry Genetics
Classification: Uncertain significance. Last evaluated: 2023-12-23. Review status: criteria provided, single submitter. Criteria: Ambry Variant Classification Scheme 2023. Collection method: clinical testing. Allele origin: germline.
Comment: The p.S572G variant (also known as c.1714A>G), located in coding exon 9 of the PALLD gene, results from an A to G substitution at nucleotide position 1714. The serine at codon 572 is replaced by glycine, an amino acid with similar properties. This amino acid position is conserved. In addition, this alteration is predicted to be tolerated by in silico analysis. Since supporting evidence is limited at this time, the clinical significance of this alteration remains unclear.

NM_001166108.2(PALLD):c.1714A>G (p.Ser572Gly)

Gene: PALLD (palladin, cytoskeletal associated protein; plus strand). Cytogenetic location: 4q32.3.
Variant type: single nucleotide variant.
Coding change: c.1714A>G on transcript NM_001166108.2 (MANE Select); coding-DNA position 1714, A replaced by G.
Protein change: p.Ser572Gly; replaces serine 572 with glycine.
Molecular consequence: missense variant.
Genome position (GRCh38, 1-based): chr4:168,711,673, A>G. VCF-style: chr4-168711673-A-G. GRCh37 (hg19) VCF-style: chr4-169632824-A-G.
Other names: c.568A>G, p.Ser190Gly (NM_001166109.2); c.1714A>G, p.Ser572Gly (NM_016081.4); short protein forms S190G, S572G.
Identifiers: ClinVar variation 1778608 (VCV001778608.2), dbSNP rs1784851504, ClinGen allele CA358798053.